The following is an entry in ClinVar:

ClinVar aggregate classification (germline): Uncertain significance (1 of 4 stars; one submission).

Conditions:
Dilated cardiomyopathy 1DD (CMD1DD). Identifiers: Orphanet 154, MedGen C2750995, MONDO:0013168, OMIM 613172.

Allele frequency attached by ClinVar (database versions not stated): TOPMed below 0.00001.

Submission:

Labcorp Genetics (formerly Invitae), Labcorp
Classification: Uncertain significance for Dilated cardiomyopathy 1DD. Last evaluated: 2025-12-13. Review status: criteria provided, single submitter. Criteria: Invitae Variant Classification Sherloc (09022015). Collection method: clinical testing. Allele origin: germline.
Comment: This sequence change replaces threonine, which is neutral and polar, with isoleucine, which is neutral and non-polar, at codon 334 of the RBM20 protein (p.Thr334Ile). This variant is not present in population databases (gnomAD no frequency). This variant has not been reported in the literature in individuals affected with RBM20-related conditions. ClinVar contains an entry for this variant (Variation ID: 2143850). Invitae Evidence Modeling of protein sequence and biophysical properties (such as structural, functional, and spatial information, amino acid conservation, physicochemical variation, residue mobility, and thermodynamic stability) indicates that this missense variant is not expected to disrupt RBM20 protein function with a negative predictive value of 95%. In summary, the available evidence is currently insufficient to determine the role of this variant in disease. Therefore, it has been classified as a Variant of Uncertain Significance.

NM_001134363.3(RBM20):c.1001C>T (p.Thr334Ile)

Gene: RBM20 (RNA binding motif protein 20; plus strand). Cytogenetic location: 10q25.2.
Variant type: single nucleotide variant.
Coding change: c.1001C>T on transcript NM_001134363.3 (MANE Select); coding-DNA position 1001, C replaced by T.
Protein change: p.Thr334Ile; replaces threonine 334 with isoleucine.
Molecular consequence: missense variant.
Genome position (GRCh38, 1-based): chr10:110,781,610, C>T. VCF-style: chr10-110781610-C-T. GRCh37 (hg19) VCF-style: chr10-112541368-C-T.
Other names: short protein forms T334I.
Identifiers: ClinVar variation 2143850 (VCV002143850.4), dbSNP rs1844350260, ClinGen allele CA378385251.